The following is an entry in ClinVar:

ClinVar aggregate classification (germline): Uncertain significance. Review status: criteria provided, single submitter (1 of 4 stars). 2 submissions from 2 submitters: Uncertain significance (1). 1 of the submissions does not count toward it. Last evaluated 2025-12-29.

Conditions:
Alstrom syndrome (ALMS). Identifiers: Orphanet 64, MedGen C0268425, MONDO:0008763, OMIM 203800.

Submissions (2):

Labcorp Genetics (formerly Invitae), Labcorp
Classification: Uncertain significance for Alstrom syndrome. Last evaluated: 2025-12-29. Review status: criteria provided, single submitter. Criteria: Invitae Variant Classification Sherloc (09022015). Collection method: clinical testing. Allele origin: germline.
Comment: This sequence change replaces alanine, which is neutral and non-polar, with threonine, which is neutral and polar, at codon 1700 of the ALMS1 protein (p.Ala1700Thr). This variant is not present in population databases (gnomAD no frequency). This variant has not been reported in the literature in individuals affected with ALMS1-related conditions. ClinVar contains an entry for this variant (Variation ID: 550236). Experimental studies and prediction algorithms are not available or were not evaluated, and the functional significance of this variant is currently unknown. In summary, the available evidence is currently insufficient to determine the role of this variant in disease. Therefore, it has been classified as a Variant of Uncertain Significance.

Counsyl
Classification: Uncertain significance for Alstrom syndrome. Last evaluated: 2016-12-23. Review status: no assertion criteria provided. Collection method: clinical testing. Allele origin: unknown. Not counted in ClinVar's aggregate classification.

NM_001378454.1(ALMS1):c.5095G>A (p.Ala1699Thr)

Gene: ALMS1 (ALMS1 centrosome and basal body associated protein; plus strand). Cytogenetic location: 2p13.1.
Variant type: single nucleotide variant.
Coding change: c.5095G>A on transcript NM_001378454.1 (MANE Select); coding-DNA position 5095, G replaced by A.
Protein change: p.Ala1699Thr; replaces alanine 1699 with threonine.
Molecular consequence: missense variant.
Genome position (GRCh38, 1-based): chr2:73,451,622, G>A. VCF-style: chr2-73451622-G-A. GRCh37 (hg19) VCF-style: chr2-73678749-G-A.
Other names: c.5098G>A, p.Ala1700Thr (NM_015120.4); short protein forms A1700T, A1699T.
Identifiers: ClinVar variation 550236 (VCV000550236.9), dbSNP rs1553404004, ClinGen allele CA347279935.